The following is an entry in ClinVar:

NM_001283009.2(RTEL1):c.2605G>A (p.Glu869Lys)

Genes: RTEL1 (regulator of telomere elongation helicase 1; plus strand), RTEL1-TNFRSF6B (RTEL1-TNFRSF6B readthrough (NMD candidate); plus strand). Cytogenetic location: 20q13.33.
Variant type: single nucleotide variant.
Coding change: c.2605G>A on transcript NM_001283009.2 (MANE Select); coding-DNA position 2605, G replaced by A.
Protein change: p.Glu869Lys; replaces glutamic acid 869 with lysine.
Molecular consequence: missense variant. On other transcripts: non-coding transcript variant (1).
Genome position (GRCh38, 1-based): chr20:63,691,790, G>A. VCF-style: chr20-63691790-G-A. GRCh37 (hg19) VCF-style: chr20-62323143-G-A.
Other names: c.1936G>A, p.Glu646Lys (NM_001283010.1); c.2605G>A, p.Glu869Lys (NM_016434.4); c.2677G>A, p.Glu893Lys (NM_032957.5); short protein forms E893K, E646K, E869K.
Identifiers: ClinVar variation 4825692 (VCV004825692.1).

ClinVar aggregate classification (germline): Uncertain significance (1 of 4 stars; one submission).

Conditions:
Inborn genetic diseases. Identifiers: MedGen C0950123, MeSH D030342.

Submission:

Ambry Genetics
Classification: Uncertain significance for Inborn genetic diseases. Last evaluated: 2026-02-22. Review status: criteria provided, single submitter. Criteria: Ambry Variant Classification Scheme 2023. Collection method: clinical testing. Allele origin: germline.
Comment: The p.E869K variant (also known as c.2605G>A), located in coding exon 27 of the RTEL1 gene, results from a G to A substitution at nucleotide position 2605. The glutamic acid at codon 869 is replaced by lysine, an amino acid with similar properties. This amino acid position is conserved. In addition, this alteration is predicted to be tolerated by in silico analysis. Based on the available evidence, the clinical significance of this variant remains unclear.